The following is an entry in ClinVar:

NM_032861.4(SERAC1):c.1598C>T (p.Pro533Leu)

Gene: SERAC1 (serine active site containing 1; minus strand). Cytogenetic location: 6q25.3.
Variant type: single nucleotide variant.
Coding change: c.1598C>T on transcript NM_032861.4 (MANE Select); coding-DNA position 1598, C replaced by T.
Protein change: p.Pro533Leu; replaces proline 533 with leucine.
Molecular consequence: missense variant. On other transcripts: non-coding transcript variant (1).
Genome position (GRCh38, 1-based): chr6:158,114,875, G>A on the plus strand (C>T on the coding strand, the complement: SERAC1 is on the minus strand). VCF-style: chr6-158114875-G-A. GRCh37 (hg19) VCF-style: chr6-158535907-G-A.
Other names: short protein forms P533L.
Identifiers: ClinVar variation 3028908 (VCV003028908.4), dbSNP rs2483462219, ClinGen allele CA366255061.

ClinVar aggregate classification (germline): Likely pathogenic (1 of 4 stars; one submission).

Conditions:
SERAC1-related neurological disorder. Identifiers: MedGen CN377038, MONDO:0100548.

Allele frequency attached by ClinVar (database versions not stated): gnomAD exomes below 0.00001.
gnomAD v4.1: 2 of 1,613,944 alleles (0.00012%); highest among the groups gnomAD compares: African/African-American, 0.0013%; no homozygotes.

Submission:

Clinical Omics and Informatics (COIN) Unit, Neuroscience Institute, University Of Cape Town
Classification: Likely pathogenic for SERAC1-related neurological disorder. Last evaluated: 2024-05-22. Review status: criteria provided, single submitter. Criteria: ACMG Guidelines, 2015. Collection method: research. Allele origin: germline. Inheritance: Autosomal recessive inheritance. Affected: yes. Observed: 1 variant allele, 1 homozygote.
Comment: PM2_Supporting: the highest population allele frequency in gnomAD v4.0 is 0.00002987 (0.003%; 1/33476 alleles). There are no homozygotes present. PP3_Strong: REVEL score is 0.96. PM3_Supporting: 0.5 points awarded for 1 compound heterozygous observation of this variant with another pathogenic SERAC1 variant (not confirmed in trans) in a proband with consistent phenotype for disorder spectrum (PMID: 29686941).

Literature cited by the submitters: PubMed 37712079; PubMed 29686941.